The following is an entry in ClinVar:

NM_024408.4(NOTCH2):c.2440A>G (p.Ile814Val)

Gene: NOTCH2 (notch receptor 2; minus strand). Cytogenetic location: 1p12.
Variant type: single nucleotide variant.
Coding change: c.2440A>G on transcript NM_024408.4 (MANE Select); coding-DNA position 2440, A replaced by G.
Protein change: p.Ile814Val; replaces isoleucine 814 with valine.
Molecular consequence: missense variant.
Genome position (GRCh38, 1-based): chr1:119,950,763, T>C on the plus strand (A>G on the coding strand, the complement: NOTCH2 is on the minus strand). VCF-style: chr1-119950763-T-C. GRCh37 (hg19) VCF-style: chr1-120493386-T-C.
Other names: c.2440A>G, p.Ile814Val (NM_001200001.2); c.2440A>G (NM_024408.3); short protein forms I814V.
Identifiers: ClinVar variation 1397141 (VCV001397141.11), dbSNP rs782757612, ClinGen allele CA1040306.

ClinVar aggregate classification (germline): Uncertain significance. Review status: criteria provided, multiple submitters, no conflicts (2 of 4 stars). 3 submissions from 3 submitters: Uncertain significance (3). Last evaluated 2026-09-22.

Conditions:
Hajdu-Cheney syndrome (HJCYS). Also called: SERPENTINE FIBULA-POLYCYSTIC KIDNEY SYNDROME; ACROOSTEOLYSIS WITH OSTEOPOROSIS AND CHANGES IN SKULL AND MANDIBLE; Acroosteolysis dominant type. Identifiers: Orphanet 955, MedGen C0917715, MONDO:0007057, OMIM 102500.
Alagille syndrome due to a NOTCH2 point mutation. Also called: Alagille syndrome 2. Identifiers: Orphanet 261629, Orphanet 52, MedGen C1857761, MONDO:0012439, OMIM 610205.
NOTCH2-related disorder. Also called: NOTCH2-related condition.

Allele frequency attached by ClinVar (database versions not stated): ExAC 0.00001; gnomAD 0.00001; TOPMed 0.00001; gnomAD exomes 0.00002.
gnomAD v4.1: 26 of 1,614,040 alleles (0.0016%); highest among the groups gnomAD compares: Non-Finnish European, 0.0017%; no homozygotes.

Submissions (3):

PreventionGenetics, part of Exact Sciences
Classification: Uncertain significance for NOTCH2-related condition. Last evaluated: 2026-09-22. Review status: criteria provided, single submitter. Criteria: ACMG Guidelines, 2015. Collection method: clinical testing. Allele origin: germline.
Comment: The NOTCH2 c.2440A>G variant is predicted to result in the amino acid substitution p.Ile814Val. To our knowledge, this variant has not been reported in the literature. This variant is reported in 0.0092% of alleles in individuals of European (Finnish) descent in gnomAD. Although we suspect that this variant may be benign, at this time, the clinical significance of this variant is uncertain due to the absence of conclusive functional and genetic evidence.

MGZ Medical Genetics Center
Classification: Uncertain significance for Alagille syndrome due to a NOTCH2 point mutation. Last evaluated: 2022-05-18. Review status: criteria provided, single submitter. Criteria: ACMG Guidelines, 2015. Collection method: clinical testing. Allele origin: germline. Affected: yes. Observed: 1 variant allele.
Comment: ACMG criteria applied: PM2_SUP, PP2

Labcorp Genetics (formerly Invitae), Labcorp
Classification: Uncertain significance for Hajdu-Cheney syndrome. Last evaluated: 2021-04-02. Review status: criteria provided, single submitter. Criteria: Invitae Variant Classification Sherloc (09022015). Collection method: clinical testing. Allele origin: germline.
Comment: In summary, the available evidence is currently insufficient to determine the role of this variant in disease. Therefore, it has been classified as a Variant of Uncertain Significance. Algorithms developed to predict the effect of sequence changes on RNA splicing suggest that this variant may create or strengthen a splice site, but this prediction has not been confirmed by published transcriptional studies. Advanced modeling of protein sequence and biophysical properties (such as structural, functional, and spatial information, amino acid conservation, physicochemical variation, residue mobility, and thermodynamic stability) performed at Invitae indicates that this missense variant is not expected to disrupt NOTCH2 protein function. This variant has not been reported in the literature in individuals with NOTCH2-related conditions. This variant is present in population databases (rs782757612, ExAC 0.001%). This sequence change replaces isoleucine with valine at codon 814 of the NOTCH2 protein (p.Ile814Val). The isoleucine residue is moderately conserved and there is a small physicochemical difference between isoleucine and valine.